The following is an entry in ClinVar:

ClinVar aggregate classification (germline): Conflicting classifications of pathogenicity. Review status: criteria provided, conflicting classifications (1 of 4 stars). 2 submissions from 2 submitters: Uncertain significance (1); Likely benign (1). Last evaluated 2024-10-15.

Conditions:
Inborn genetic diseases. Identifiers: MedGen C0950123, MeSH D030342.
Spondylocostal dysostosis 3, autosomal recessive (SCDO3). Also called: LFNG-Related Spondylocostal Dysostosis, Autosomal Recessive. Identifiers: Orphanet 2311, MedGen C1853296, MONDO:0012349, OMIM 609813.

Allele frequency attached by ClinVar (database versions not stated): ExAC 0.00006; gnomAD 0.00006; gnomAD exomes 0.00007 and 0.00009; TOPMed 0.00009.
gnomAD v4.1: 132 of 1,607,946 alleles (0.0082%); highest among the groups gnomAD compares: East Asian, 0.025%; no homozygotes.

Submissions (2):

Labcorp Genetics (formerly Invitae), Labcorp
Classification: Uncertain significance for Spondylocostal dysostosis 3, autosomal recessive. Last evaluated: 2024-10-15. Review status: criteria provided, single submitter. Criteria: Invitae Variant Classification Sherloc (09022015). Collection method: clinical testing. Allele origin: germline.
Comment: This sequence change replaces lysine, which is basic and polar, with arginine, which is basic and polar, at codon 123 of the LFNG protein (p.Lys123Arg). This variant is present in population databases (rs758997792, gnomAD 0.03%). This variant has not been reported in the literature in individuals affected with LFNG-related conditions. ClinVar contains an entry for this variant (Variation ID: 1394653). Invitae Evidence Modeling of protein sequence and biophysical properties (such as structural, functional, and spatial information, amino acid conservation, physicochemical variation, residue mobility, and thermodynamic stability) indicates that this missense variant is not expected to disrupt LFNG protein function with a negative predictive value of 80%. In summary, the available evidence is currently insufficient to determine the role of this variant in disease. Therefore, it has been classified as a Variant of Uncertain Significance.

Ambry Genetics
Classification: Likely benign for Inborn genetic diseases. Last evaluated: 2023-03-06. Review status: criteria provided, single submitter. Criteria: Ambry Variant Classification Scheme 2023. Collection method: clinical testing. Allele origin: germline.

NM_001040167.2(LFNG):c.368A>G (p.Lys123Arg)

Gene: LFNG (LFNG O-fucosylpeptide 3-beta-N-acetylglucosaminyltransferase; plus strand). Cytogenetic location: 7p22.3.
Variant type: single nucleotide variant.
Coding change: c.368A>G on transcript NM_001040167.2 (MANE Select); coding-DNA position 368, A replaced by G.
Protein change: p.Lys123Arg; replaces lysine 123 with arginine.
Molecular consequence: missense variant. On other transcripts: intron variant (2).
Genome position (GRCh38, 1-based): chr7:2,520,229, A>G. VCF-style: chr7-2520229-A-G. GRCh37 (hg19) VCF-style: chr7-2559863-A-G.
Other names: c.368A>G, p.Lys123Arg (NM_001040168.2); c.220-4466A>G (NM_001166355.2); c.45+1631A>G (NM_002304.3); c.368A>G (NM_001040167.1); short protein forms K123R.
Identifiers: ClinVar variation 1394653 (VCV001394653.5), dbSNP rs758997792, ClinGen allele CA4126919.